The following is an entry in ClinVar:

ClinVar aggregate classification (germline): Uncertain significance (1 of 4 stars; one submission).

Conditions:
Severe combined immunodeficiency due to IKK2 deficiency. Also called: IMMUNODEFICIENCY 15B; Immunodeficiency 15. Identifiers: Orphanet 397787, MedGen C4747743, MONDO:0014267, OMIM 615592.

Allele frequency attached by ClinVar (database versions not stated): gnomAD exomes below 0.00001.
gnomAD v4.1: 5 of 1,612,110 alleles (0.00031%); highest among the groups gnomAD compares: South Asian, 0.0055%; no homozygotes.

Submission:

Labcorp Genetics (formerly Invitae), Labcorp
Classification: Uncertain significance for Severe combined immunodeficiency due to IKK2 deficiency. Last evaluated: 2022-06-14. Review status: criteria provided, single submitter. Criteria: Invitae Variant Classification Sherloc (09022015). Collection method: clinical testing. Allele origin: germline.
Comment: Advanced modeling of protein sequence and biophysical properties (such as structural, functional, and spatial information, amino acid conservation, physicochemical variation, residue mobility, and thermodynamic stability) performed at Invitae indicates that this missense variant is not expected to disrupt IKBKB protein function. This sequence change replaces glutamic acid, which is acidic and polar, with glycine, which is neutral and non-polar, at codon 569 of the IKBKB protein (p.Glu569Gly). This variant is present in population databases (no rsID available, gnomAD 0.01%). This variant has not been reported in the literature in individuals affected with IKBKB-related conditions. In summary, the available evidence is currently insufficient to determine the role of this variant in disease. Therefore, it has been classified as a Variant of Uncertain Significance.

NM_001556.3(IKBKB):c.1706A>G (p.Glu569Gly)

Gene: IKBKB (inhibitor of nuclear factor kappa B kinase subunit beta; plus strand). Cytogenetic location: 8p11.21.
Variant type: single nucleotide variant.
Coding change: c.1706A>G on transcript NM_001556.3 (MANE Select); coding-DNA position 1706, A replaced by G.
Protein change: p.Glu569Gly; replaces glutamic acid 569 with glycine.
Molecular consequence: missense variant. On other transcripts: non-coding transcript variant (3).
Genome position (GRCh38, 1-based): chr8:42,321,913, A>G. VCF-style: chr8-42321913-A-G. GRCh37 (hg19) VCF-style: chr8-42179431-A-G.
Other names: c.1514A>G, p.Glu505Gly (NM_001190720.3); c.1529A>G, p.Glu510Gly (NM_001242778.2); short protein forms E510G, E505G, E569G.
Identifiers: ClinVar variation 2006656 (VCV002006656.4), dbSNP rs1404740155, ClinGen allele CA371091913.
Genomic context (GRCh38, chr8:42,321,913, plus strand): 5'-TATTTGACCTCAAGTCTAGACAGAACTTCTTTGTATATTTTAGAGAGGAGCAAGCAAGGG[A>G]GCTGTACAGGAGACTAAGGGAAAAACCTCGAGGTAAGTGGGGTTCTGTGTCTGCCTTGGG-3'
Protein context (NP_001547.1, residues 559-579): TLDDLEEQAR[Glu569Gly]LYRRLREKPR